The following is an entry in ClinVar:

ClinVar aggregate classification (germline): Uncertain significance (1 of 4 stars; one submission).

gnomAD v4.1: 40 of 1,613,704 alleles (0.0025%); highest among the groups gnomAD compares: Non-Finnish European, 0.0033%; no homozygotes.

Submission:

Labcorp Genetics (formerly Invitae), Labcorp
Classification: Uncertain significance. Last evaluated: 2024-12-18. Review status: criteria provided, single submitter. Criteria: Invitae Variant Classification Sherloc (09022015). Collection method: clinical testing. Allele origin: germline.
Comment: This sequence change replaces proline, which is neutral and non-polar, with leucine, which is neutral and non-polar, at codon 642 of the TCF3 protein (p.Pro642Leu). This variant is present in population databases (rs773597214, gnomAD 0.003%). This variant has not been reported in the literature in individuals affected with TCF3-related conditions. Invitae Evidence Modeling of protein sequence and biophysical properties (such as structural, functional, and spatial information, amino acid conservation, physicochemical variation, residue mobility, and thermodynamic stability) has been performed for this missense variant. However, the output from this modeling did not meet the statistical confidence thresholds required to predict the impact of this variant on TCF3 protein function. In summary, the available evidence is currently insufficient to determine the role of this variant in disease. Therefore, it has been classified as a Variant of Uncertain Significance.

NM_003200.5(TCF3):c.1925C>T (p.Pro642Leu)

Gene: TCF3 (transcription factor 3; minus strand). Cytogenetic location: 19p13.3.
Variant type: single nucleotide variant.
Coding change: c.1925C>T on transcript NM_003200.5 (MANE Select); coding-DNA position 1925, C replaced by T.
Protein change: p.Pro642Leu; replaces proline 642 with leucine.
Molecular consequence: missense variant.
Genome position (GRCh38, 1-based): chr19:1,611,747, G>A on the plus strand (C>T on the coding strand, the complement: TCF3 is on the minus strand). VCF-style: chr19-1611747-G-A. GRCh37 (hg19) VCF-style: chr19-1611746-G-A.
Other names: c.1916C>T, p.Pro639Leu (NM_001136139.4, NM_001351779.2); c.1922C>T, p.Pro641Leu (NM_001351778.2); short protein forms P642L, P639L, P641L.
Identifiers: ClinVar variation 3717518 (VCV003717518.2).